The following is an entry in ClinVar:

ClinVar aggregate classification (germline): Uncertain significance (1 of 4 stars; one submission).

gnomAD v4.1: 1 of 1,613,140 alleles (0.000062%); highest among the groups gnomAD compares: South Asian, 0.0011%; no homozygotes.

Submission:

Dasa
Classification: Uncertain significance. Last evaluated: 2024-11-22. Review status: criteria provided, single submitter. Criteria: DASA Assertion Criteria. Collection method: clinical testing. Allele origin: germline.
Comment: NM_001384125.1(KIAA1109):c.1932G>T (p.Lys644Asn) is a missense variant that results in the substitution of lysine with asparagine. This variant is rare in population databases. Computational prediction algorithms are consistent with a benign effect. The currently available literature and clinical evidence are not sufficient to establish a definitive association between this variant and the reported condition. Therefore, this variant is classified as a variant of uncertain significance.

NM_001384125.1(BLTP1):c.1932G>T (p.Lys644Asn)

Gene: BLTP1 (bridge-like lipid transfer protein family member 1; plus strand). Cytogenetic location: 4q27.
Variant type: single nucleotide variant.
Coding change: c.1932G>T on transcript NM_001384125.1 (MANE Select); coding-DNA position 1932, G replaced by T.
Protein change: p.Lys644Asn; replaces lysine 644 with asparagine.
Molecular consequence: missense variant.
Genome position (GRCh38, 1-based): chr4:122,209,818, G>T. VCF-style: chr4-122209818-G-T. GRCh37 (hg19) VCF-style: chr4-123130973-G-T.
Other names: c.1932G>T, p.Lys644Asn (NM_015312.4); short protein forms K644N.
Identifiers: ClinVar variation 4886660 (VCV004886660.2).
Genomic context (GRCh38, chr4:122,209,818, plus strand): 5'-TCTCTGTACAATTAAAGGAATGAGTATCTGACTAGAAACTGTCTGTTTTACTCTTCAAAG[G>T]TCTGGTTGGGTTGAATGCTGGACTGTCCCAAGTGTCATGCTTACAATTGATTATACATGG-3'
Protein context (NP_001371054.1, residues 634-654): KPKWRNVTQE[Lys644Asn]SGWVECWTVP